The following is an entry in ClinVar:

ClinVar aggregate classification (germline): Pathogenic (1 of 4 stars; one submission).

Conditions:
Distal myopathy with posterior leg and anterior hand involvement. Also called: WILLIAMS DISTAL MYOPATHY. Identifiers: Orphanet 63273, MedGen C3279722, MONDO:0013550, OMIM 614065.
Myofibrillar myopathy 5. Also called: Filaminopathy (type); FILAMINOPATHY, AUTOSOMAL DOMINANT. Identifiers: Orphanet 171445, MedGen C1836050, MONDO:0012289, OMIM 609524.
Hypertrophic cardiomyopathy 26. Also called: Cardiomyopathy, familial hypertrophic, 26. Identifiers: Orphanet 75249, MedGen C4310749, MONDO:0014883, OMIM 617047.

Submission:

Labcorp Genetics (formerly Invitae), Labcorp
Classification: Pathogenic for Distal myopathy with posterior leg and anterior hand involvement; Myofibrillar myopathy 5; Hypertrophic cardiomyopathy 26. Last evaluated: 2022-12-31. Review status: criteria provided, single submitter. Criteria: Invitae Variant Classification Sherloc (09022015). Collection method: clinical testing. Allele origin: germline.
Comment: For these reasons, this variant has been classified as Pathogenic. This variant has not been reported in the literature in individuals affected with FLNC-related conditions. This variant is not present in population databases (gnomAD no frequency). This sequence change creates a premature translational stop signal (p.Val1930Alafs*4) in the FLNC gene. It is expected to result in an absent or disrupted protein product. Loss-of-function variants in FLNC are known to be pathogenic (PMID: 27908349).

Literature cited by the submitters: PubMed 27908349.

NM_001458.5(FLNC):c.5789_5790del (p.Val1930fs)

Genes: FLNC (filamin C; plus strand), FLNC-AS1 (FLNC antisense RNA 1; minus strand). Cytogenetic location: 7q32.1.
Variant type: Deletion.
Coding change: c.5789_5790del on transcript NM_001458.5 (MANE Select); coding-DNA positions 5789 to 5790, 2 bases deleted (TG; older notation c.5789_5790delTG).
Protein change: p.Val1930fs; shifts the reading frame from valine 1930.
Molecular consequence: frameshift variant.
Genome position (GRCh38, 1-based): chr7:128,851,575-128,851,576, TG deleted; deleting any 2 consecutive bases within chr7:128,851,574-128,851,576 gives the same sequence; the c. name uses the placement nearest the transcript's 3' end. VCF-style (leftmost placement, unchanged base first): chr7-128851573-CGT-C. GRCh37 (hg19) VCF-style: chr7-128491627-CGT-C.
Other names: c.5690_5691del, p.Val1897fs (NM_001127487.2); short protein forms V1930fs, V1897fs.
Identifiers: ClinVar variation 2076455 (VCV002076455.4), dbSNP rs2536656549, ClinGen allele CA2580076617.